The following is an entry in ClinVar:

NM_012079.6(DGAT1):c.210_231dup (p.Ser78fs)

Gene: DGAT1 (diacylglycerol O-acyltransferase 1; minus strand). Cytogenetic location: 8q24.3.
Variant type: Duplication.
Coding change: c.210_231dup on transcript NM_012079.6 (MANE Select); coding-DNA positions 210 to 231, 22 bases duplicated (CCTGCAGGATTCTTTATTCAGC).
Protein change: p.Ser78fs; shifts the reading frame from serine 78.
Molecular consequence: frameshift variant.
Genome position (GRCh38, 1-based): chr8:144,321,378-144,321,399, GCTGAATAAAGAATCCTGCAGG duplicated on the plus strand (CCTGCAGGATTCTTTATTCAGC on the coding strand, the reverse complement: DGAT1 is on the minus strand). VCF-style (leftmost placement, unchanged base first): chr8-144321377-A-AGCTGAATAAAGAATCCTGCAGG. GRCh37 (hg19) VCF-style: chr8-145545040-A-AGCTGAATAAAGAATCCTGCAGG.
Other names: short protein forms S78fs.
Identifiers: ClinVar variation 4711965 (VCV004711965.1).

ClinVar aggregate classification (germline): Pathogenic (1 of 4 stars; one submission).

Submission:

Labcorp Genetics (formerly Invitae), Labcorp
Classification: Pathogenic. Last evaluated: 2025-01-28. Review status: criteria provided, single submitter. Criteria: Invitae Variant Classification Sherloc (09022015). Collection method: clinical testing. Allele origin: germline.
Comment: This sequence change creates a premature translational stop signal (p.Ser78Profs*9) in the DGAT1 gene. It is expected to result in an absent or disrupted protein product. Loss-of-function variants in DGAT1 are known to be pathogenic (PMID: 29604290). This variant is not present in population databases (gnomAD no frequency). This variant has not been reported in the literature in individuals affected with DGAT1-related conditions. For these reasons, this variant has been classified as Pathogenic.

Literature cited by the submitters: PubMed 29604290.